The following is an entry in ClinVar:

NM_006218.4(PIK3CA):c.719A>C (p.Lys240Thr)

Gene: PIK3CA (phosphatidylinositol-4,5-bisphosphate 3-kinase catalytic subunit alpha; plus strand). Cytogenetic location: 3q26.32.
Variant type: single nucleotide variant.
Coding change: c.719A>C on transcript NM_006218.4 (MANE Select); coding-DNA position 719, A replaced by C.
Protein change: p.Lys240Thr; replaces lysine 240 with threonine.
Molecular consequence: missense variant.
Genome position (GRCh38, 1-based): chr3:179,201,446, A>C. VCF-style: chr3-179201446-A-C. GRCh37 (hg19) VCF-style: chr3-178919234-A-C.
Other names: short protein forms K240T.
Identifiers: ClinVar variation 1408065 (VCV001408065.8), dbSNP rs2108389866, ClinGen allele CA355277516.

ClinVar aggregate classification (germline): Uncertain significance (1 of 4 stars; one submission).

Conditions:
Cowden syndrome (CS). Also called: Cowden's disease; Cowden's syndrome; Cowden disease. Identifiers: Orphanet 201, MedGen C0018553, MONDO:0016063. Disease mechanism: gain of function.

Submission:

Labcorp Genetics (formerly Invitae), Labcorp
Classification: Uncertain significance for Cowden syndrome. Last evaluated: 2025-11-10. Review status: criteria provided, single submitter. Criteria: Invitae Variant Classification Sherloc (09022015). Collection method: clinical testing. Allele origin: germline.
Comment: This sequence change replaces lysine, which is basic and polar, with threonine, which is neutral and polar, at codon 240 of the PIK3CA protein (p.Lys240Thr). This variant is not present in population databases (gnomAD no frequency). This variant has not been reported in the literature in individuals affected with PIK3CA-related conditions. ClinVar contains an entry for this variant (Variation ID: 1408065). Invitae Evidence Modeling of protein sequence and biophysical properties (such as structural, functional, and spatial information, amino acid conservation, physicochemical variation, residue mobility, and thermodynamic stability) has been performed for this missense variant. However, the output from this modeling did not meet the statistical confidence thresholds required to predict the impact of this variant on PIK3CA protein function. In summary, the available evidence is currently insufficient to determine the role of this variant in disease. Therefore, it has been classified as a Variant of Uncertain Significance.